The following is an entry in ClinVar:

ClinVar aggregate classification (germline): Likely benign. Review status: criteria provided, multiple submitters, no conflicts (2 of 4 stars). 6 submissions from 6 submitters: Likely benign (5). 1 of the submissions does not count toward it. Last evaluated 2025-02-12.

Conditions:
Hypertrophic cardiomyopathy. Also called: HYPERTROPHIC MYOCARDIOPATHY. Identifiers: Orphanet 217569, MedGen C0007194, MeSH D002312, MONDO:0005045, HP:0001639.
Cardiovascular phenotype. Identifiers: MedGen CN230736.
Cardiomyopathy (CMYO). Also called: Cardiomyopathies. Identifiers: Orphanet 167848, MedGen C0878544, MONDO:0004994, HP:0001638. Inheritance: Various modes of inheritance.
MYBPC3-related disorder. Also called: MYBPC3-related condition; MYBPC3-related disease; MYBPC3-related disorders.

Allele frequency attached by ClinVar (database versions not stated): gnomAD 0.00001 and 0.00002; TOPMed 0.00002; gnomAD exomes 0.00003 and 0.00005; ExAC 0.00008; 1000 Genomes Project 0.00020; 1000 Genomes Project 30x 0.00031.
gnomAD v4.1: 42 of 1,613,920 alleles (0.0026%); highest among the groups gnomAD compares: Admixed American, 0.0067%; no homozygotes.

Submissions (6):

Labcorp Genetics (formerly Invitae), Labcorp
Classification: Likely benign for Hypertrophic cardiomyopathy. Last evaluated: 2025-02-12. Review status: criteria provided, single submitter. Criteria: Invitae Variant Classification Sherloc (09022015). Collection method: clinical testing. Allele origin: germline.

All of Us Research Program, National Institutes of Health
Classification: Likely benign for Hypertrophic cardiomyopathy. Last evaluated: 2023-11-20. Review status: criteria provided, single submitter. Criteria: ACMG Guidelines, 2015. Collection method: clinical testing. Allele origin: germline. Inheritance: Autosomal dominant inheritance. Observed: 8 variant alleles, 8 heterozygotes.
Comment: This study involves interpretation of variants in research participants for the purpose of population health screening. Participant phenotype was not available at the time of variant classification. Additional details can be found in publication PMID: 35346344, PMCID: PMC8962531

Ambry Genetics
Classification: Likely benign for Cardiovascular phenotype. Last evaluated: 2021-11-09. Review status: criteria provided, single submitter. Criteria: Ambry Variant Classification Scheme 2023. Collection method: clinical testing. Allele origin: germline.

Color Diagnostics, LLC DBA Color Health
Classification: Likely benign for Cardiomyopathy. Last evaluated: 2018-11-21. Review status: criteria provided, single submitter. Criteria: ACMG Guidelines, 2015. Collection method: clinical testing. Allele origin: germline.

GeneDx
Classification: Likely benign. Last evaluated: 2018-03-14. Review status: criteria provided, single submitter. Criteria: GeneDx Variant Classification (06012015). Collection method: clinical testing. Allele origin: germline. Affected: yes.
Comment: This variant is considered likely benign or benign based on one or more of the following criteria: it is a conservative change, it occurs at a poorly conserved position in the protein, it is predicted to be benign by multiple in silico algorithms, and/or has population frequency not consistent with disease.

PreventionGenetics, part of Exact Sciences
Classification: Likely benign for MYBPC3-related condition. Last evaluated: 2021-11-30. Review status: no assertion criteria provided. Collection method: clinical testing. Allele origin: germline. Not counted in ClinVar's aggregate classification.
Comment: This variant is classified as likely benign based on ACMG/AMP sequence variant interpretation guidelines (Richards et al. 2015 PMID: 25741868, with internal and published modifications).

NM_000256.3(MYBPC3):c.3579C>T (p.Ile1193=)

Gene: MYBPC3 (myosin binding protein C3; minus strand). Cytogenetic location: 11p11.2.
Variant type: single nucleotide variant.
Coding change: c.3579C>T on transcript NM_000256.3 (MANE Select); coding-DNA position 3579, C replaced by T.
Protein change: p.Ile1193=; no amino-acid change (isoleucine 1193 retained).
Molecular consequence: synonymous variant.
Genome position (GRCh38, 1-based): chr11:47,332,614, G>A on the plus strand (C>T on the coding strand, the complement: MYBPC3 is on the minus strand). VCF-style: chr11-47332614-G-A. GRCh37 (hg19) VCF-style: chr11-47354165-G-A.
Identifiers: ClinVar variation 669104 (VCV000669104.16), dbSNP rs541204647, ClinGen allele CA079441.
Genomic context (GRCh38, chr11:47,332,614, plus strand): 5'-AAAGTTCCCTACCTTGGGGCTACCCCGGACAGCACAGCAGAGCATAGCAGTGTAGCCCGC[G>A]ATGACCGAGCGGTTCACCAGGGGCTGGGTGAAGCTTGGGGCCTCGGAGAAGTCCAGGGCC-3'
Protein context (NP_000247.2, residues 1183-1203): FTQPLVNRSV[Ile1193=]AGYTAMLCCA